The following is an entry in ClinVar:

NC_000019.9:g.(?_13563670)_(13574132_?)del

Gene: CACNA1A (calcium voltage-gated channel subunit alpha1 A; minus strand). Cytogenetic location: 19p13.2.
Variant type: Deletion.
Identifiers: ClinVar variation 1455297 (VCV001455297.6).

ClinVar aggregate classification (germline): Pathogenic (1 of 4 stars; one submission).

Conditions:
Episodic ataxia type 2 (EA2). Also called: ACETAZOLAMIDE-RESPONSIVE HEREDITARY PAROXYSMAL CEREBELLAR ATAXIA; EPISODIC ATAXIA, NYSTAGMUS-ASSOCIATED; ATAXIA, EPISODIC, WITH NYSTAGMUS; ATAXIA, FAMILIAL PAROXYSMAL; CEREBELLAR ATAXIA, PAROXYSMAL, ACETAZOLAMIDE-RESPONSIVE; CEREBELLOPATHY, HEREDITARY PAROXYSMAL. Identifiers: Orphanet 97, MedGen C1720416, MONDO:0007163, OMIM 108500.
Developmental and epileptic encephalopathy, 42 (DEE42A). Also called: DEVELOPMENTAL AND EPILEPTIC ENCEPHALOPATHY 42A; EPILEPTIC ENCEPHALOPATHY, EARLY INFANTILE, 42A; Epileptic encephalopathy, early infantile, 42. Identifiers: MedGen C4310716, MONDO:0014917, OMIM 617106.

Submission:

Labcorp Genetics (formerly Invitae), Labcorp
Classification: Pathogenic for Developmental and epileptic encephalopathy, 42; Episodic ataxia type 2. Last evaluated: 2021-11-15. Review status: criteria provided, single submitter. Criteria: Invitae Variant Classification Sherloc (09022015). Collection method: clinical testing. Allele origin: germline.
Comment: For these reasons, this variant has been classified as Pathogenic. This variant disrupts a region of the CACNA1A protein in which other variant(s) (p.Glu147Lys) have been determined to be pathogenic (PMID: 15483044). This suggests that this is a clinically significant region of the protein, and that variants that disrupt it are likely to be disease-causing. This variant has not been reported in the literature in individuals affected with CACNA1A-related conditions. This variant is a gross deletion of the genomic region encompassing exon(s) 2-3 of the CACNA1A gene. This variant would be expected to be in-frame, preserving the integrity of the reading frame.

Literature cited by the submitters: PubMed 15483044.